The following is an entry in ClinVar:

NM_000293.3(PHKB):c.3221T>A (p.Met1074Lys)

Gene: PHKB (phosphorylase kinase regulatory subunit beta; plus strand). Cytogenetic location: 16q12.1.
Variant type: single nucleotide variant.
Coding change: c.3221T>A on transcript NM_000293.3 (MANE Select); coding-DNA position 3221, T replaced by A.
Protein change: p.Met1074Lys; replaces methionine 1074 with lysine.
Molecular consequence: missense variant.
Genome position (GRCh38, 1-based): chr16:47,699,305, T>A. VCF-style: chr16-47699305-T-A. GRCh37 (hg19) VCF-style: chr16-47733216-T-A.
Other names: c.3200T>A, p.Met1067Lys (NM_001031835.3); c.3221T>A, p.Met1074Lys (NM_001363837.1); short protein forms M1074K, M1067K.
Identifiers: ClinVar variation 2098418 (VCV002098418.4), dbSNP rs2506741580, ClinGen allele CA396101901.
Genomic context (GRCh38, chr16:47,699,305, plus strand): 5'-TTTACAACACTCCTCCCCTGGGAAAAAGAGGAACATGCAGCTATTTGACAAAGGCGGTGA[T>A]GAATCTGCTGCTGGAAGGAGAAGTCAAGCCAAACAATGATGACCCGTGTCTGATTAGCTA-3'
Protein context (NP_000284.1, residues 1064-1084): GTCSYLTKAV[Met1074Lys]NLLLEGEVKP

ClinVar aggregate classification (germline): Uncertain significance (1 of 4 stars; one submission).

Conditions:
Glycogen storage disease IXb (GSD9B). Also called: GLYCOGENOSIS OF LIVER AND MUSCLE, AUTOSOMAL RECESSIVE; GSD IXb; PHOSPHORYLASE KINASE DEFICIENCY OF LIVER AND MUSCLE, AUTOSOMAL RECESSIVE. Identifiers: Orphanet 79240, MedGen C0543514, MONDO:0009868, OMIM 261750.

Submission:

Labcorp Genetics (formerly Invitae), Labcorp
Classification: Uncertain significance for Glycogen storage disease IXb. Last evaluated: 2023-08-09. Review status: criteria provided, single submitter. Criteria: Invitae Variant Classification Sherloc (09022015). Collection method: clinical testing. Allele origin: germline.
Comment: In summary, the available evidence is currently insufficient to determine the role of this variant in disease. Therefore, it has been classified as a Variant of Uncertain Significance. An algorithm developed to predict the effect of missense changes on protein structure and function (PolyPhen-2) suggests that this variant is likely to be tolerated. ClinVar contains an entry for this variant (Variation ID: 2098418). This variant has not been reported in the literature in individuals affected with PHKB-related conditions. This variant is not present in population databases (gnomAD no frequency). This sequence change replaces methionine, which is neutral and non-polar, with lysine, which is basic and polar, at codon 1074 of the PHKB protein (p.Met1074Lys).